The following is an entry in ClinVar:

ClinVar aggregate classification (germline): Likely benign. Review status: criteria provided, multiple submitters, no conflicts (2 of 4 stars). 3 submissions from 3 submitters: Likely benign (3). Last evaluated 2026-05-18.

Conditions:
DNMT3A-related disorder. Also called: DNMT3A-related disorders; DNMT3A-related condition.
Tatton-Brown-Rahman overgrowth syndrome. Also called: Tall stature-intellectual disability-facial dysmorphism syndrome; Tatton-Brown-Rahman syndrome. Identifiers: Orphanet 404443, MedGen C4014545, MONDO:0014382, OMIM 615879.
Inborn genetic diseases. Identifiers: MedGen C0950123, MeSH D030342.

Allele frequency attached by ClinVar (database versions not stated): gnomAD exomes 0.00001; TOPMed 0.00001; ExAC 0.00002; gnomAD 0.00002; ESP Exome Variant Server 0.00008.
gnomAD v4.1: 19 of 1,613,766 alleles (0.0012%); highest among the groups gnomAD compares: Admixed American, 0.0033%; no homozygotes.

Submissions (3):

PreventionGenetics, part of Exact Sciences
Classification: Likely benign for DNMT3A-related condition. Last evaluated: 2026-05-18. Review status: criteria provided, single submitter. Criteria: ACMG Guidelines, 2015. Collection method: clinical testing. Allele origin: germline.
Comment: This variant is classified as likely benign based on ACMG/AMP sequence variant interpretation guidelines (Richards et al. 2015 PMID: 25741868, with internal and published modifications).

Labcorp Genetics (formerly Invitae), Labcorp
Classification: Likely benign for Tatton-Brown-Rahman overgrowth syndrome. Last evaluated: 2025-04-23. Review status: criteria provided, single submitter. Criteria: Invitae Variant Classification Sherloc (09022015). Collection method: clinical testing. Allele origin: germline.

Ambry Genetics
Classification: Likely benign for Inborn genetic diseases. Last evaluated: 2024-12-20. Review status: criteria provided, single submitter. Criteria: Ambry Variant Classification Scheme 2023. Collection method: clinical testing. Allele origin: germline.

NM_022552.5(DNMT3A):c.993C>T (p.Phe331=)

Gene: DNMT3A (DNA methyltransferase 3 alpha; minus strand). Cytogenetic location: 2p23.3.
Variant type: single nucleotide variant.
Coding change: c.993C>T on transcript NM_022552.5 (MANE Select); coding-DNA position 993, C replaced by T.
Protein change: p.Phe331=; no amino-acid change (phenylalanine 331 retained).
Molecular consequence: synonymous variant. On other transcripts: non-coding transcript variant (1).
Genome position (GRCh38, 1-based): chr2:25,247,612, G>A on the plus strand (C>T on the coding strand, the complement: DNMT3A is on the minus strand). VCF-style: chr2-25247612-G-A. GRCh37 (hg19) VCF-style: chr2-25470481-G-A.
Other names: c.537C>T, p.Phe179= (NM_001320893.1); c.324C>T, p.Phe108= (NM_001375819.1); c.426C>T, p.Phe142= (NM_153759.3); c.993C>T, p.Phe331= (NM_175629.2); c.993C>T (NM_022552.3).
Identifiers: ClinVar variation 1914836 (VCV001914836.7), dbSNP rs151221034, ClinGen allele CA1556222.